The following is an entry in ClinVar:

ClinVar aggregate classification (germline): Uncertain significance (1 of 4 stars; one submission).

Submission:

Labcorp Genetics (formerly Invitae), Labcorp
Classification: Uncertain significance. Last evaluated: 2019-08-29. Review status: criteria provided, single submitter. Criteria: Invitae Variant Classification Sherloc (09022015). Collection method: clinical testing. Allele origin: germline.
Comment: Experimental studies and prediction algorithms are not available or were not evaluated for this variant, and the functional significance of this variant is currently unknown. This variant, c.5600_5602del, results in the deletion of 2 and insertion of one amino acid(s) of the POLE protein (p.Asn1867_Phe1868delinsIle), but otherwise preserves the integrity of the reading frame. This variant is not present in population databases (ExAC no frequency). This variant has not been reported in the literature in individuals with POLE-related conditions. In summary, the available evidence is currently insufficient to determine the role of this variant in disease. Therefore, it has been classified as a Variant of Uncertain Significance.

NM_006231.4(POLE):c.5600_5602del (p.Asn1867_Phe1868delinsIle)

Gene: POLE (DNA polymerase epsilon, catalytic subunit; minus strand). Cytogenetic location: 12q24.33.
Variant type: Deletion.
Coding change: c.5600_5602del on transcript NM_006231.4 (MANE Select); coding-DNA positions 5600 to 5602, 3 bases deleted (ACT; older notation c.5600_5602delACT).
Protein change: p.Asn1867_Phe1868delinsIle.
Molecular consequence: inframe indel.
Genome position (GRCh38, 1-based): chr12:132,638,090-132,638,092, AGT deleted on the plus strand (ACT on the coding strand, the reverse complement: POLE is on the minus strand). VCF-style (leftmost placement, unchanged base first): chr12-132638089-AAGT-A. GRCh37 (hg19) VCF-style: chr12-133214675-AAGT-A.
Identifiers: ClinVar variation 937058 (VCV000937058.7), dbSNP rs2042070437, ClinGen allele CA1139662960.